The following is an entry in ClinVar:

ClinVar aggregate classification (germline): Likely pathogenic (0 of 4 stars; one submission).

Conditions:
MYH9-related disorder. Identifiers: MedGen C1854520.

Submission:

PreventionGenetics, part of Exact Sciences
Classification: Likely pathogenic for MYH9-related condition. Last evaluated: 2024-08-22. Review status: no assertion criteria provided. Collection method: clinical testing. Allele origin: germline.
Comment: The MYH9 c.130G>C variant is predicted to result in the amino acid substitution p.Ala44Pro. This variant was reported in two individuals with MYH9-related disease (Saposnik et al. 2014. PubMed ID: 25077172; Natesirinilkul et al. 2021. PubMed ID: 33855781; Niwa et al. 2024. PubMed ID: 38827217). This variant has not been reported in a large population database, indicating this variant is rare. This variant is interpreted as likely pathogenic.

NM_002473.6(MYH9):c.130G>C (p.Ala44Pro)

Gene: MYH9 (myosin heavy chain 9; minus strand). Cytogenetic location: 22q12.3.
Variant type: single nucleotide variant.
Coding change: c.130G>C on transcript NM_002473.6 (MANE Select); coding-DNA position 130, G replaced by C.
Protein change: p.Ala44Pro; replaces alanine 44 with proline.
Molecular consequence: missense variant.
Genome position (GRCh38, 1-based): chr22:36,349,107, C>G on the plus strand (G>C on the coding strand, the complement: MYH9 is on the minus strand). VCF-style: chr22-36349107-C-G. GRCh37 (hg19) VCF-style: chr22-36745152-C-G.
Other names: short protein forms A44P.
Identifiers: ClinVar variation 3356076 (VCV003356076.1).